The following is an entry in ClinVar:

NM_004341.5(CAD):c.4396+1G>T

Gene: CAD (carbamoyl-phosphate synthetase 2, aspartate transcarbamylase, and dihydroorotase; plus strand). Cytogenetic location: 2p23.3.
Variant type: single nucleotide variant.
Coding change: c.4396+1G>T on transcript NM_004341.5 (MANE Select); the canonical splice donor site of the intron after coding-DNA position 4396, G replaced by T.
Molecular consequence: splice donor variant.
Genome position (GRCh38, 1-based): chr2:27,236,831, G>T. VCF-style: chr2-27236831-G-T. GRCh37 (hg19) VCF-style: chr2-27459699-G-T.
Other names: c.4207+1G>T (NM_001306079.2).
Identifiers: ClinVar variation 2830203 (VCV002830203.3), dbSNP rs1676033729, ClinGen allele CA346219549.

ClinVar aggregate classification (germline): Likely pathogenic (1 of 4 stars; one submission).

gnomAD v4.1: 1 of 1,613,862 alleles (0.000062%); highest among the groups gnomAD compares: Admixed American, 0.0017%; no homozygotes.

Submission:

Labcorp Genetics (formerly Invitae), Labcorp
Classification: Likely pathogenic. Last evaluated: 2023-06-23. Review status: criteria provided, single submitter. Criteria: Invitae Variant Classification Sherloc (09022015). Collection method: clinical testing. Allele origin: germline.
Comment: This sequence change affects a donor splice site in intron 27 of the CAD gene. It is expected to disrupt RNA splicing. Variants that disrupt the donor or acceptor splice site typically lead to a loss of protein function (PMID: 16199547), and loss-of-function variants in CAD are known to be pathogenic (PMID: 28007989, 32117025, 32820246, 33497533). This variant is not present in population databases (gnomAD no frequency). This variant has not been reported in the literature in individuals affected with CAD-related conditions. Algorithms developed to predict the effect of sequence changes on RNA splicing suggest that this variant may disrupt the consensus splice site. In summary, the currently available evidence indicates that the variant is pathogenic, but additional data are needed to prove that conclusively. Therefore, this variant has been classified as Likely Pathogenic.

Literature cited by the submitters: PubMed 16199547; PubMed 28007989; PubMed 32117025; PubMed 32820246; PubMed 33497533.